The following is an entry in ClinVar:

NM_002691.4(POLD1):c.3232A>G (p.Ile1078Val)

Gene: POLD1 (DNA polymerase delta 1, catalytic subunit; plus strand). Cytogenetic location: 19q13.33.
Variant type: single nucleotide variant.
Coding change: c.3232A>G on transcript NM_002691.4 (MANE Select); coding-DNA position 3232, A replaced by G.
Protein change: p.Ile1078Val; replaces isoleucine 1078 with valine.
Molecular consequence: missense variant. On other transcripts: non-coding transcript variant (1).
Genome position (GRCh38, 1-based): chr19:50,417,855, A>G. VCF-style: chr19-50417855-A-G. GRCh37 (hg19) VCF-style: chr19-50921112-A-G.
Other names: c.3232A>G, p.Ile1078Val (NM_001256849.1); c.3310A>G, p.Ile1104Val (NM_001308632.1); short protein forms I1104V, I1078V.
Identifiers: ClinVar variation 408106 (VCV000408106.7), dbSNP rs1060501852, ClinGen allele CA16616208.

ClinVar aggregate classification (germline): Uncertain significance (1 of 4 stars; one submission).

Conditions:
POLD1-related polyposis and colorectal cancer syndrome (CRCS10). Also called: Colorectal cancer, susceptibility to, 10; Colorectal cancer 10; COLORECTAL CANCER, SUSCEPTIBILITY TO, ON CHROMOSOME 19q. Identifiers: Orphanet 220460, MedGen C2675481, MONDO:0012953, OMIM 612591.

Allele frequency attached by ClinVar (database versions not stated): gnomAD exomes below 0.00001; gnomAD 0.00001; TOPMed 0.00001.
gnomAD v4.1: 3 of 1,605,244 alleles (0.00019%); highest among the groups gnomAD compares: Middle Eastern, 0.017%; no homozygotes.

Submission:

Labcorp Genetics (formerly Invitae), Labcorp
Classification: Uncertain significance for POLD1-related polyposis and colorectal cancer syndrome. Last evaluated: 2025-06-11. Review status: criteria provided, single submitter. Criteria: Invitae Variant Classification Sherloc (09022015). Collection method: clinical testing. Allele origin: germline.
Comment: This sequence change replaces isoleucine, which is neutral and non-polar, with valine, which is neutral and non-polar, at codon 1078 of the POLD1 protein (p.Ile1078Val). This variant is not present in population databases (gnomAD no frequency). This variant has not been reported in the literature in individuals affected with POLD1-related conditions. ClinVar contains an entry for this variant (Variation ID: 408106). Invitae Evidence Modeling of protein sequence and biophysical properties (such as structural, functional, and spatial information, amino acid conservation, physicochemical variation, residue mobility, and thermodynamic stability) indicates that this missense variant is not expected to disrupt POLD1 protein function with a negative predictive value of 80%. In summary, the available evidence is currently insufficient to determine the role of this variant in disease. Therefore, it has been classified as a Variant of Uncertain Significance.